The following is an entry in ClinVar:

ClinVar aggregate classification (germline): Uncertain significance (1 of 4 stars; one submission).

gnomAD v4.1: 10 of 1,614,206 alleles (0.00062%); highest among the groups gnomAD compares: Non-Finnish European, 0.00076%; no homozygotes.

Submission:

Labcorp Genetics (formerly Invitae), Labcorp
Classification: Uncertain significance. Last evaluated: 2025-07-27. Review status: criteria provided, single submitter. Criteria: Invitae Variant Classification Sherloc (09022015). Collection method: clinical testing. Allele origin: germline.
Comment: This sequence change replaces glutamine, which is neutral and polar, with glutamic acid, which is acidic and polar, at codon 297 of the SIN3A protein (p.Gln297Glu). This variant is present in population databases (rs373770490, gnomAD 0.0009%). This variant has not been reported in the literature in individuals affected with SIN3A-related conditions. ClinVar contains an entry for this variant (Variation ID: 3680946). Invitae Evidence Modeling of protein sequence and biophysical properties (such as structural, functional, and spatial information, amino acid conservation, physicochemical variation, residue mobility, and thermodynamic stability) indicates that this missense variant is not expected to disrupt SIN3A protein function with a negative predictive value of 80%. In summary, the available evidence is currently insufficient to determine the role of this variant in disease. Therefore, it has been classified as a Variant of Uncertain Significance.

NM_001145358.2(SIN3A):c.889C>G (p.Gln297Glu)

Gene: SIN3A (SIN3 transcription regulator family member A; minus strand). Cytogenetic location: 15q24.2.
Variant type: single nucleotide variant.
Coding change: c.889C>G on transcript NM_001145358.2 (MANE Select); coding-DNA position 889, C replaced by G.
Protein change: p.Gln297Glu; replaces glutamine 297 with glutamic acid.
Molecular consequence: missense variant.
Genome position (GRCh38, 1-based): chr15:75,411,611, G>C on the plus strand (C>G on the coding strand, the complement: SIN3A is on the minus strand). VCF-style: chr15-75411611-G-C. GRCh37 (hg19) VCF-style: chr15-75703952-G-C.
Other names: c.889C>G, p.Gln297Glu (NM_001145357.2, NM_015477.3); short protein forms Q297E.
Identifiers: ClinVar variation 3680946 (VCV003680946.2).
Genomic context (GRCh38, chr15:75,411,611, plus strand): 5'-TGTTCTTGATCTTATTAACATAGTTGATGGCATGATTAAACTCCACAGGTTGATTGTTCT[G>C]CAAGGATGGGGCCGTTCCCAACGAGATTGTCACTGGTGTGTGAGGCTGGACCGGCGGAGA-3'
Protein context (NP_001138830.1, residues 287-307): TISLGTAPSL[Gln297Glu]NNQPVEFNHA